The following is an entry in ClinVar:

NM_000284.4(PDHA1):c.969_1004dup (p.Leu335_Lys336insMetValAsnSerAsnLeuAlaSerValGluGluLeu)

Gene: PDHA1 (pyruvate dehydrogenase E1 subunit alpha 1; plus strand). Cytogenetic location: Xp22.12.
Variant type: Duplication.
Coding change: c.969_1004dup on transcript NM_000284.4 (MANE Select); coding-DNA positions 969 to 1004, 36 bases duplicated.
Protein change: p.Leu335_Lys336insMetValAsnSerAsnLeuAlaSerValGluGluLeu.
Molecular consequence: inframe insertion.
Genome position (GRCh38, 1-based): chrX:19,358,985-19,359,020, 36 bases duplicated. GRCh37 (hg19): chrX:19,377,103-19,377,138.
Other names: c.1083_1118dup, p.Leu373_Lys374insMetValAsnSerAsnLeuAlaSerValGluGluLeu (NM_001173454.2); c.990_1025dup, p.Leu342_Lys343insMetValAsnSerAsnLeuAlaSerValGluGluLeu (NM_001173455.2); c.876_911dup, p.Leu304_Lys305insMetValAsnSerAsnLeuAlaSerValGluGluLeu (NM_001173456.2).
Identifiers: ClinVar variation 4070516 (VCV004070516.1).

ClinVar aggregate classification (germline): Likely pathogenic (0 of 4 stars; one submission).

Conditions:
Pyruvate dehydrogenase E1-alpha deficiency (PDHAD). Also called: ATAXIA, INTERMITTENT, WITH PYRUVATE DEHYDROGENASE DEFICIENCY; ATAXIA WITH LACTIC ACIDOSIS I; ATAXIA, INTERMITTENT, WITH ABNORMAL PYRUVATE METABOLISM; Ataxia, intermittent, with pyruvate dehydrogenase, or decarboxylase, deficiency. Identifiers: Orphanet 79243, MedGen C1839413, MONDO:0010717, OMIM 312170.

Submission:

PDHA1 Study Group, University Children’s Hospital, Paracelsus Medical University
Classification: Likely pathogenic for Pyruvate dehydrogenase E1-alpha deficiency. Last evaluated: 2024-10-15. Review status: no assertion criteria provided. Collection method: research. Allele origin: inherited. Affected: yes. Observed: 2 variant alleles.
Comment: The NM_000284.3:c.969_1004dup (p.Met324_Leu335dup) change is a deletion-insertion (delins) variant in PDHA1 gene. In total, 2 individuals were diagnosed with PDHA1-related Pyruvate dehydrogenase complex (PDHc) deficiency (MIM #312170). Among them, 2 were confirmed inherited. The variant has been reported in 2 published cases (PMIDs: 9686362). Last literature search: July 12, 2024. This variant is absent or extremely rare in population-based cohorts in the Genome Aggregation Database (gnomAD). Individuals harboring this variant presented with clinical features compatible with PDHA1-related PDHc deficiency. In summary, this variant meets criteria to be classified as likely pathogenic (LP) for PDHA1-related PDHc deficiency based on the ACMG/AMP criteria applied: PM1, PM2, PM4, PP3 (last assessment October 15, 2024).

Literature cited by the submitters: PubMed 9686362; DOI 10.1093/brain/awaf430.